The following is an entry in ClinVar:

ClinVar aggregate classification (germline): Benign/Likely benign. Review status: criteria provided, multiple submitters, no conflicts (2 of 4 stars). 9 submissions from 9 submitters: Benign (1); Likely benign (8). Last evaluated 2025-12-10.

Conditions:
Arrhythmogenic right ventricular dysplasia 2. Identifiers: MedGen C1832931.
Ventricular arrhythmias due to cardiac ryanodine receptor calcium release deficiency syndrome. Also called: Autosomal dominant cardiac arrhythmia (Kuhn). Identifiers: MedGen C5542154, MONDO:0020745, OMIM 115000.
Catecholaminergic polymorphic ventricular tachycardia 1. Also called: VENTRICULAR TACHYCARDIA, CATECHOLAMINERGIC POLYMORPHIC, 1, WITH OR WITHOUT ATRIAL DYSFUNCTION AND/OR DILATED CARDIOMYOPATHY; VENTRICULAR TACHYCARDIA, STRESS-INDUCED POLYMORPHIC 1; RYR2-Related Catecholaminergic Polymorphic Ventricular Tachycardia. Identifiers: Orphanet 3286, MedGen C1631597, MONDO:0011484, OMIM 604772.
Cardiovascular phenotype. Identifiers: MedGen CN230736.
Cardiomyopathy (CMYO). Also called: Cardiomyopathies. Identifiers: Orphanet 167848, MedGen C0878544, MONDO:0004994, HP:0001638. Inheritance: Various modes of inheritance.

Allele frequency attached by ClinVar (database versions not stated): 1000 Genomes Project 0.00020; gnomAD 0.00029 and 0.00030; ExAC 0.00036; gnomAD exomes 0.00039 and 0.00019; ESP Exome Variant Server 0.00008; TOPMed 0.00010; 1000 Genomes Project 30x 0.00016.
gnomAD v4.1: 320 of 1,611,078 alleles (0.02%); highest among the groups gnomAD compares: Admixed American, 0.025%; 1 homozygote.

Submissions (9):

Labcorp Genetics (formerly Invitae), Labcorp
Classification: Likely benign for Catecholaminergic polymorphic ventricular tachycardia 1. Last evaluated: 2025-12-10. Review status: criteria provided, single submitter. Criteria: Invitae Variant Classification Sherloc (09022015). Collection method: clinical testing. Allele origin: germline.

Blueprint Genetics
Classification: Likely benign. Last evaluated: 2024-11-19. Review status: criteria provided, single submitter. Criteria: ACMG Guidelines, 2015. Collection method: clinical testing. Allele origin: germline.

CeGaT Center for Human Genetics Tuebingen
Classification: Benign. Last evaluated: 2024-10-01. Review status: criteria provided, single submitter. Criteria: CeGaT Center For Human Genetics Tuebingen Variant Classification Criteria Version 2. Collection method: clinical testing. Allele origin: germline. Affected: yes. Observed: 2 variant alleles.
Comment: RYR2: BP4, BS1, BS2

Fulgent Genetics
Classification: Likely benign for Ventricular arrhythmias due to cardiac ryanodine receptor calcium release deficiency syndrome; Catecholaminergic polymorphic ventricular tachycardia 1. Last evaluated: 2021-10-12. Review status: criteria provided, single submitter. Criteria: ACMG Guidelines, 2015. Collection method: clinical testing. Allele origin: unknown.

Women's Health and Genetics/Laboratory Corporation of America, LabCorp
Classification: Likely benign. Last evaluated: 2021-02-22. Review status: criteria provided, single submitter. Criteria: LabCorp Variant Classification Summary - May 2015. Collection method: clinical testing. Allele origin: germline.
Comment: Variant summary: RYR2 c.9923A>G (p.Asn3308Ser) results in a conservative amino acid change in the encoded protein sequence. Five of five in-silico tools predict a benign effect of the variant on protein function. The variant allele was found at a frequency of 0.00039 in 244926 control chromosomes in the gnomAD database, including 1 homozygotes. The observed variant frequency is approximately 11.4 fold of the estimated maximal expected allele frequency for a pathogenic variant in RYR2 causing Catecholaminergic Polymorphic Ventricular Tachycardia phenotype (3.4e-05), strongly suggesting that the variant is benign. c.9923A>G has been reported in the literature, without strong evidence for causality (Landstrom_2017, Marjamaa_2009, Medeiros-Domingo_2009). The variant was reported experimentally to have open probabilities similar to the wild type channels in vitro (Marjamaa_2008). Four clinical diagnostic laboratories have submitted clinical-significance assessments for this variant to ClinVar after 2014 without evidence for independent evaluation. All laboratories classified the variant as likely benign. Based on the evidence outlined above, the variant was classified as likely benign.

Ambry Genetics
Classification: Likely benign for Cardiovascular phenotype. Last evaluated: 2019-10-29. Review status: criteria provided, single submitter. Criteria: Ambry Variant Classification Scheme 2023. Collection method: clinical testing. Allele origin: germline.

Color Diagnostics, LLC DBA Color Health
Classification: Likely benign for Cardiomyopathy. Last evaluated: 2018-11-18. Review status: criteria provided, single submitter. Criteria: ACMG Guidelines, 2015. Collection method: clinical testing. Allele origin: germline.

Molecular Diagnostic Laboratory for Inherited Cardiovascular Disease, Montreal Heart Institute
Classification: Likely benign. Last evaluated: 2017-05-21. Review status: criteria provided, single submitter. Criteria: ACMG Guidelines, 2015. Collection method: clinical testing. Allele origin: germline. Affected: yes.

GeneDx
Classification: Likely benign. Last evaluated: 2016-04-06. Review status: criteria provided, single submitter. Criteria: GeneDx Variant Classification (06012015). Collection method: clinical testing. Allele origin: germline. Affected: yes.
Comment: This variant is considered likely benign or benign based on one or more of the following criteria: it is a conservative change, it occurs at a poorly conserved position in the protein, it is predicted to be benign by multiple in silico algorithms, and/or has population frequency not consistent with disease.

Literature cited by the submitters: PubMed 19216760 (cited by Women's Health and Genetics/Laboratory Corporation of America, LabCorp and Ambry Genetics); PubMed 19926015 (cited by Women's Health and Genetics/Laboratory Corporation of America, LabCorp and Ambry Genetics); PubMed 28404607 (cited by Women's Health and Genetics/Laboratory Corporation of America, LabCorp); PubMed 20132818 (cited by Ambry Genetics); PubMed 29032884 (cited by Ambry Genetics).

NM_001035.3(RYR2):c.9923A>G (p.Asn3308Ser)

Gene: RYR2 (ryanodine receptor 2; plus strand). Cytogenetic location: 1q43.
Variant type: single nucleotide variant.
Coding change: c.9923A>G on transcript NM_001035.3 (MANE Select); coding-DNA position 9923, A replaced by G.
Protein change: p.Asn3308Ser; replaces asparagine 3308 with serine.
Molecular consequence: missense variant.
Genome position (GRCh38, 1-based): chr1:237,708,879, A>G. VCF-style: chr1-237708879-A-G. GRCh37 (hg19) VCF-style: chr1-237872179-A-G.
Other names: p.N3308S:AAT>AGT; c.9923A>G, p.Asn3308Ser (LRG_402t1); short protein forms N3308S.
Identifiers: ClinVar variation 180500 (VCV000180500.57), dbSNP rs201081663, ClinGen allele CA011372.